The following is an entry in ClinVar:

NM_001457.4(FLNB):c.4427A>G (p.Asp1476Gly)

Gene: FLNB (filamin B; plus strand). Cytogenetic location: 3p14.3.
Variant type: single nucleotide variant.
Coding change: c.4427A>G on transcript NM_001457.4 (MANE Select); coding-DNA position 4427, A replaced by G.
Protein change: p.Asp1476Gly; replaces aspartic acid 1476 with glycine.
Molecular consequence: missense variant.
Genome position (GRCh38, 1-based): chr3:58,132,844, A>G. VCF-style: chr3-58132844-A-G. GRCh37 (hg19) VCF-style: chr3-58118571-A-G.
Other names: c.4520A>G, p.Asp1507Gly (NM_001164317.2); c.4427A>G, p.Asp1476Gly (NM_001164318.2, NM_001164319.2); short protein forms D1476G, D1507G.
Identifiers: ClinVar variation 1709602 (VCV001709602.2), dbSNP rs2471154590, ClinGen allele CA353351241.

ClinVar aggregate classification (germline): Uncertain significance (1 of 4 stars; one submission).

Conditions:
Larsen syndrome (LRS). Also called: Bilateral dislocation of the knees, pes cavus, cylindrically shaped fingers and characteristic facies; Larsen syndrome (FLNB-LS). Identifiers: Orphanet 503, MedGen C0175778, MONDO:0007875, OMIM 150250. Disease mechanism: loss of function.

Submission:

MGZ Medical Genetics Center
Classification: Uncertain significance for Larsen syndrome. Last evaluated: 2022-07-19. Review status: criteria provided, single submitter. Criteria: ACMG Guidelines, 2015. Collection method: clinical testing. Allele origin: germline. Affected: yes. Observed: 1 variant allele.
Comment: ACMG criteria applied: PM2_SUP, PP3